The following is an entry in ClinVar:

NM_152703.5(SAMD9L):c.839C>T (p.Ala280Val)

Gene: SAMD9L (sterile alpha motif domain containing 9 like; minus strand). Cytogenetic location: 7q21.2.
Variant type: single nucleotide variant.
Coding change: c.839C>T on transcript NM_152703.5 (MANE Select); coding-DNA position 839, C replaced by T.
Protein change: p.Ala280Val; replaces alanine 280 with valine.
Molecular consequence: missense variant.
Genome position (GRCh38, 1-based): chr7:93,135,133, G>A on the plus strand (C>T on the coding strand, the complement: SAMD9L is on the minus strand). VCF-style: chr7-93135133-G-A. GRCh37 (hg19) VCF-style: chr7-92764446-G-A.
Other names: c.839C>T, p.Ala280Val (NM_001303496.3, NM_001303497.3, NM_001303498.3 and 5 more transcripts); c.839C>T (NM_152703.2); short protein forms A280V.
Identifiers: ClinVar variation 1898020 (VCV001898020.8), dbSNP rs756137688, ClinGen allele CA4343805.

ClinVar aggregate classification (germline): Uncertain significance. Review status: criteria provided, multiple submitters, no conflicts (2 of 4 stars). 3 submissions from 3 submitters: Uncertain significance (3). Last evaluated 2025-10-21.

Conditions:
Inborn genetic diseases. Identifiers: MedGen C0950123, MeSH D030342.

Allele frequency attached by ClinVar (database versions not stated): ExAC 0.00002.

Submissions (3):

Labcorp Genetics (formerly Invitae), Labcorp
Classification: Uncertain significance. Last evaluated: 2025-10-21. Review status: criteria provided, single submitter. Criteria: Invitae Variant Classification Sherloc (09022015). Collection method: clinical testing. Allele origin: germline.
Comment: This sequence change replaces alanine, which is neutral and non-polar, with valine, which is neutral and non-polar, at codon 280 of the SAMD9L protein (p.Ala280Val). This variant is present in population databases (rs756137688, gnomAD 0.01%). This variant has not been reported in the literature in individuals affected with SAMD9L-related conditions. ClinVar contains an entry for this variant (Variation ID: 1898020). An algorithm developed to predict the effect of missense changes on protein structure and function outputs the following: PolyPhen-2: "Possibly Damaging". The valine amino acid residue is found in multiple mammalian species, which suggests that this missense change does not adversely affect protein function. In summary, the available evidence is currently insufficient to determine the role of this variant in disease. Therefore, it has been classified as a Variant of Uncertain Significance.

Ambry Genetics
Classification: Uncertain significance for Inborn genetic diseases. Last evaluated: 2024-12-12. Review status: criteria provided, single submitter. Criteria: Ambry Variant Classification Scheme 2023. Collection method: clinical testing. Allele origin: germline.
Comment: The p.A280V variant (also known as c.839C>T), located in coding exon 1 of the SAMD9L gene, results from a C to T substitution at nucleotide position 839. The alanine at codon 280 is replaced by valine, an amino acid with similar properties. This amino acid position is conserved. In addition, this alteration is predicted to be tolerated by in silico analysis. Based on the available evidence, the clinical significance of this variant remains unclear.

Blueprint Genetics
Classification: Uncertain significance. Last evaluated: 2024-11-08. Review status: criteria provided, single submitter. Criteria: ACMG Guidelines, 2015. Collection method: clinical testing. Allele origin: germline.